The following is an entry in ClinVar:

ClinVar aggregate classification (germline): Uncertain significance (1 of 4 stars; one submission).

Conditions:
Hereditary cancer-predisposing syndrome. Also called: Neoplastic Syndromes, Hereditary; Tumor predisposition; Hereditary Cancer Syndrome; Hereditary neoplastic syndrome. Identifiers: Orphanet 140162, MedGen C0027672, MeSH D009386, MONDO:0015356.

Submission:

Ambry Genetics
Classification: Uncertain significance for Hereditary cancer-predisposing syndrome. Last evaluated: 2019-09-11. Review status: criteria provided, single submitter. Criteria: Ambry Variant Classification Scheme 2023. Collection method: clinical testing. Allele origin: germline.
Comment: The p.M54T variant (also known as c.161T>C), located in coding exon 1 of the VHL gene, results from a T to C substitution at nucleotide position 161. The methionine at codon 54 is replaced by threonine, an amino acid with similar properties. This amino acid position is not well conserved in available vertebrate species. In addition, this alteration is predicted to be tolerated by in silico analysis. Since supporting evidence is limited at this time, the clinical significance of this alteration remains unclear.

NM_000551.4(VHL):c.161T>C (p.Met54Thr)

Gene: VHL (von Hippel-Lindau tumor suppressor; plus strand). Cytogenetic location: 3p25.3.
Variant type: single nucleotide variant.
Coding change: c.161T>C on transcript NM_000551.4 (MANE Select); coding-DNA position 161, T replaced by C.
Protein change: p.Met54Thr; replaces methionine 54 with threonine.
Molecular consequence: missense variant.
Genome position (GRCh38, 1-based): chr3:10,142,008, T>C. VCF-style: chr3-10142008-T-C. GRCh37 (hg19) VCF-style: chr3-10183692-T-C.
Other names: c.161T>C, p.Met54Thr (NM_001354723.2, NM_198156.3); short protein forms M54T.
Identifiers: ClinVar variation 819688 (VCV000819688.4), dbSNP rs1575921544, ClinGen allele CA351748468.